The following is an entry in ClinVar:

ClinVar aggregate classification (germline): Conflicting classifications of pathogenicity. Review status: criteria provided, conflicting classifications (1 of 4 stars). 6 submissions from 6 submitters: Uncertain significance (5); Likely benign (1). Last evaluated 2025-11-15.

Conditions:
Cardiomyopathy (CMYO). Also called: Cardiomyopathies. Identifiers: Orphanet 167848, MedGen C0878544, MONDO:0004994, HP:0001638. Inheritance: Various modes of inheritance.
Cardiovascular phenotype. Identifiers: MedGen CN230736.
Hypertrophic cardiomyopathy. Also called: HYPERTROPHIC MYOCARDIOPATHY. Identifiers: Orphanet 217569, MedGen C0007194, MeSH D002312, MONDO:0005045, HP:0001639.

Allele frequency attached by ClinVar (database versions not stated): gnomAD exomes below 0.00001; gnomAD 0.00001.
gnomAD v4.1: 2 of 1,613,872 alleles (0.00012%); highest among the groups gnomAD compares: Non-Finnish European, 0.00017%; no homozygotes.

Submissions (6):

Labcorp Genetics (formerly Invitae), Labcorp
Classification: Likely benign for Hypertrophic cardiomyopathy. Last evaluated: 2025-11-15. Review status: criteria provided, single submitter. Criteria: Invitae Variant Classification Sherloc (09022015). Collection method: clinical testing. Allele origin: germline.

Mayo Clinic Laboratories, Mayo Clinic
Classification: Uncertain significance. Last evaluated: 2025-09-10. Review status: criteria provided, single submitter. Criteria: ACMG Guidelines, 2015. Collection method: clinical testing. Allele origin: germline. Observed: 1 variant allele.

Color Diagnostics, LLC DBA Color Health
Classification: Uncertain significance for Cardiomyopathy. Last evaluated: 2025-07-11. Review status: criteria provided, single submitter. Criteria: ACMG Guidelines, 2015. Collection method: clinical testing. Allele origin: germline.
Comment: This synonymous variant alters the conserved c.G at the last nucleotide of exon 20 of the MYH7 protein, but does not change the amino acid sequence. Splice site prediction tools suggest that this variant may not impact RNA splicing. To our knowledge, RNA studies have not been reported for this variant. This variant has not been reported in individuals affected with MYH7-related disorders in the literature. This variant has not been identified in the general population by the Genome Aggregation Database (gnomAD). The available evidence is insufficient to determine the role of this variant in disease conclusively. Therefore, this variant is classified as a Variant of Uncertain Significance.

All of Us Research Program, National Institutes of Health
Classification: Uncertain significance for Cardiomyopathy. Last evaluated: 2023-12-18. Review status: criteria provided, single submitter. Criteria: ACMG Guidelines, 2015. Collection method: clinical testing. Allele origin: germline. Inheritance: Autosomal dominant inheritance. Observed: 2 variant alleles, 2 heterozygotes.
Comment: This synonymous variant alters the conserved c.G at the last nucleotide of exon 20 of the MYH7 protein, but does not change the amino acid sequence. Splice site prediction tools suggest that this variant may impact RNA splicing. To our knowledge, functional studies have not been reported for this variant. This variant has not been reported in individuals affected with MYH7-related disorders in the literature. This variant has not been identified in the general population by the Genome Aggregation Database (gnomAD). Clinical relevance of loss-of-function MYH7 truncation and splice variants in autosomal dominant cardiovascular disorders is not clearly established. The available evidence is insufficient to determine the role of this variant in disease conclusively. Therefore, this variant is classified as a Variant of Uncertain Significance.

This study involves interpretation of variants in research participants for the purpose of population health screening. Participant phenotype was not available at the time of variant classification. Additional details can be found in publication PMID: 35346344, PMCID: PMC8962531

Ambry Genetics
Classification: Uncertain significance for Cardiovascular phenotype. Last evaluated: 2022-06-13. Review status: criteria provided, single submitter. Criteria: Ambry Variant Classification Scheme 2023. Collection method: clinical testing. Allele origin: germline.
Comment: The c.2286G>A variant (also known as p.K762K), located in coding exon 18 of the MYH7 gene, results from a G to A substitution at nucleotide position 2286. This nucleotide substitution does not change the lysine at codon 762. This nucleotide position is highly conserved in available vertebrate species. In silico splice site analysis for this alteration is inconclusive. Since supporting evidence is limited at this time, the clinical significance of this alteration remains unclear.

Women's Health and Genetics/Laboratory Corporation of America, LabCorp
Classification: Uncertain significance. Last evaluated: 2021-01-28. Review status: criteria provided, single submitter. Criteria: LabCorp Variant Classification Summary - May 2015. Collection method: clinical testing. Allele origin: germline.
Comment: Variant summary: MYH7 c.2286G>A (p.Lys762Lys) alters a conserved nucleotide located close to a canonical splice site and therefore could affect mRNA splicing, leading to a significantly altered protein sequence. Several computational tools predict a significant impact on normal splicing: Four predict the variant weakens a 5' donor site. However, these predictions have yet to be confirmed by functional studies. The variant was absent in 251180 control chromosomes. The available data on variant occurrences in the general population are insufficient to allow any conclusion about variant significance. To our knowledge, no occurrence of c.2286G>A in individuals affected with Cardiomyopathy and no experimental evidence demonstrating its impact on protein function have been reported. One clinical diagnostic laboratory has submitted clinical-significance assessments for this variant to ClinVar after 2014 without evidence for independent evaluation and cited the variant as uncertain significance. Based on the evidence outlined above, the variant was classified as uncertain significance.

NM_000257.4(MYH7):c.2286G>A (p.Lys762=)

Gene: MYH7 (myosin heavy chain 7; minus strand). Cytogenetic location: 14q11.2.
Variant type: single nucleotide variant.
Coding change: c.2286G>A on transcript NM_000257.4 (MANE Select); coding-DNA position 2286, G replaced by A.
Protein change: p.Lys762=; no amino-acid change (lysine 762 retained).
Molecular consequence: synonymous variant.
Genome position (GRCh38, 1-based): chr14:23,425,695, C>T on the plus strand (G>A on the coding strand, the complement: MYH7 is on the minus strand). VCF-style: chr14-23425695-C-T. GRCh37 (hg19) VCF-style: chr14-23894904-C-T.
Other names: p.Lys762=.
Identifiers: ClinVar variation 928101 (VCV000928101.16), dbSNP rs958169569, ClinGen allele CA257820649.
Genomic context (GRCh38, chr14:23,425,695, plus strand): 5'-ATCAGAGGAGTCAATGGAAAAGAGATGTCTTCCTTTAATTAATTAGTCTCCTTTCCTCAC[C>T]TTGGTGTGGCCAAACTTGTACTGGTTGTGATCAATGTCCAGGGAGCTGAGCAGCTTCTCT-3'
Protein context (NP_000248.2, residues 752-772): DHNQYKFGHT[Lys762=]VFFKAGLLGL